The following is an entry in ClinVar:

ClinVar aggregate classification (germline): Uncertain significance. Review status: criteria provided, multiple submitters, no conflicts (2 of 4 stars). 2 submissions from 2 submitters: Uncertain significance (2). Last evaluated 2025-06-12.

Conditions:
RASopathy. Also called: Noonan spectrum disorder; rasopathies. Identifiers: Orphanet 536391, MedGen C5555857, MONDO:0021060.

Submissions (2):

Labcorp Genetics (formerly Invitae), Labcorp
Classification: Uncertain significance for RASopathy. Last evaluated: 2025-06-12. Review status: criteria provided, single submitter. Criteria: Invitae Variant Classification Sherloc (09022015). Collection method: clinical testing. Allele origin: germline.
Comment: This sequence change replaces valine, which is neutral and non-polar, with phenylalanine, which is neutral and non-polar, at codon 111 of the BRAF protein (p.Val111Phe). This variant is not present in population databases (gnomAD no frequency). This variant has not been reported in the literature in individuals affected with BRAF-related conditions. ClinVar contains an entry for this variant (Variation ID: 1301351). Invitae Evidence Modeling of protein sequence and biophysical properties (such as structural, functional, and spatial information, amino acid conservation, physicochemical variation, residue mobility, and thermodynamic stability) has been performed for this missense variant. However, the output from this modeling did not meet the statistical confidence thresholds required to predict the impact of this variant on BRAF protein function. In summary, the available evidence is currently insufficient to determine the role of this variant in disease. Therefore, it has been classified as a Variant of Uncertain Significance.

Women's Health and Genetics/Laboratory Corporation of America, LabCorp
Classification: Uncertain significance. Last evaluated: 2021-09-22. Review status: criteria provided, single submitter. Criteria: LabCorp Variant Classification Summary - May 2015. Collection method: clinical testing. Allele origin: germline.

NM_004333.6(BRAF):c.331G>T (p.Val111Phe)

Gene: BRAF (B-Raf proto-oncogene, serine/threonine kinase; minus strand). Cytogenetic location: 7q34.
Variant type: single nucleotide variant.
Coding change: c.331G>T on transcript NM_004333.6 (MANE Select); coding-DNA position 331, G replaced by T.
Protein change: p.Val111Phe; replaces valine 111 with phenylalanine.
Molecular consequence: missense variant. On other transcripts: intron variant (1).
Genome position (GRCh38, 1-based): chr7:140,834,782, C>A on the plus strand (G>T on the coding strand, the complement: BRAF is on the minus strand). VCF-style: chr7-140834782-C-A. GRCh37 (hg19) VCF-style: chr7-140534582-C-A.
Other names: c.331G>T, p.Val111Phe (NM_001354609.2, NM_001374244.1, NM_001374258.1 and 5 more transcripts); c.229G>T, p.Val77Phe (NM_001378470.1); c.175G>T, p.Val59Phe (NM_001378472.1, NM_001378473.1); c.240+15329G>T (NM_001378475.1); short protein forms V111F, V59F, V77F.
Identifiers: ClinVar variation 1301351 (VCV001301351.4), dbSNP rs1807139980, ClinGen allele CA369593768.
Genomic context (GRCh38, chr7:140,834,782, plus strand): 5'-GCACTGAAAGGCTAGAAGAGGAAGAAGATGTAACGGTATCCATTGATGCAGAGCTAGAAA[C>A]AGAAAAATCAGTTCCGTTCCCCAGAGATTCCAATAACTGTTGTTCTCTTTGTTGGAGTGC-3'
Protein context (NP_004324.2, residues 101-121): ESLGNGTDFS[Val111Phe]SSSASMDTVT